The following is an entry in ClinVar:

NM_147127.5(EVC2):c.3082C>A (p.Leu1028Met)

Gene: EVC2 (EvC ciliary complex subunit 2; minus strand). Cytogenetic location: 4p16.2.
Variant type: single nucleotide variant.
Coding change: c.3082C>A on transcript NM_147127.5 (MANE Select); coding-DNA position 3082, C replaced by A.
Protein change: p.Leu1028Met; replaces leucine 1028 with methionine.
Molecular consequence: missense variant.
Genome position (GRCh38, 1-based): chr4:5,576,430, G>T on the plus strand (C>A on the coding strand, the complement: EVC2 is on the minus strand). VCF-style: chr4-5576430-G-T. GRCh37 (hg19) VCF-style: chr4-5578157-G-T.
Other names: c.2842C>A, p.Leu948Met (NM_001166136.2); short protein forms L948M, L1028M.
Identifiers: ClinVar variation 4020172 (VCV004020172.2).

ClinVar aggregate classification (germline): Uncertain significance. Review status: criteria provided, multiple submitters, no conflicts (2 of 4 stars). 2 submissions from 2 submitters: Uncertain significance (2). Last evaluated 2025-10-19.

Conditions:
Ellis-van Creveld syndrome (EVC). Also called: EVC-Related Ellis-van Creveld Syndrome; EVC2-Related Ellis-van Creveld Syndrome; MESOECTODERMAL DYSPLASIA; Chondroectodermal dysplasia. Identifiers: Orphanet 289, MedGen C0013903, MONDO:0009162, OMIM 225500.
Curry-Hall syndrome (WAD). Also called: WEYERS ACRODENTAL DYSOSTOSIS. Identifiers: Orphanet 952, MedGen C0457013, MONDO:0008673, OMIM 193530.
Inborn genetic diseases. Identifiers: MedGen C0950123, MeSH D030342.

gnomAD v4.1: 5 of 1,607,154 alleles (0.00031%); highest among the groups gnomAD compares: African/African-American, 0.0013%; no homozygotes.

Submissions (2):

Labcorp Genetics (formerly Invitae), Labcorp
Classification: Uncertain significance for Curry-Hall syndrome; Ellis-van Creveld syndrome. Last evaluated: 2025-10-19. Review status: criteria provided, single submitter. Criteria: Invitae Variant Classification Sherloc (09022015). Collection method: clinical testing. Allele origin: germline.
Comment: This sequence change replaces leucine, which is neutral and non-polar, with methionine, which is neutral and non-polar, at codon 1028 of the EVC2 protein (p.Leu1028Met). The frequency data for this variant in the population databases is considered unreliable, as metrics indicate poor data quality at this position in the gnomAD database. This variant has not been reported in the literature in individuals affected with EVC2-related conditions. ClinVar contains an entry for this variant (Variation ID: 4020172). An algorithm developed to predict the effect of missense changes on protein structure and function (PolyPhen-2) suggests that this variant is likely to be disruptive. In summary, the available evidence is currently insufficient to determine the role of this variant in disease. Therefore, it has been classified as a Variant of Uncertain Significance.

Ambry Genetics
Classification: Uncertain significance for Inborn genetic diseases. Last evaluated: 2025-04-15. Review status: criteria provided, single submitter. Criteria: Ambry Variant Classification Scheme 2023. Collection method: clinical testing. Allele origin: germline.